The following is an entry in ClinVar:

NM_004304.5(ALK):c.1273T>C (p.Cys425Arg)

Gene: ALK (ALK receptor tyrosine kinase; minus strand). Cytogenetic location: 2p23.2.
Variant type: single nucleotide variant.
Coding change: c.1273T>C on transcript NM_004304.5 (MANE Select); coding-DNA position 1273, T replaced by C.
Protein change: p.Cys425Arg; replaces cysteine 425 with arginine.
Molecular consequence: missense variant.
Genome position (GRCh38, 1-based): chr2:29,383,741, A>G on the plus strand (T>C on the coding strand, the complement: ALK is on the minus strand). VCF-style: chr2-29383741-A-G. GRCh37 (hg19) VCF-style: chr2-29606607-A-G.
Other names: short protein forms C425R.
Identifiers: ClinVar variation 2091996 (VCV002091996.4), dbSNP rs2148301432, ClinGen allele CA346585041.

ClinVar aggregate classification (germline): Uncertain significance (1 of 4 stars; one submission).

Conditions:
Neuroblastoma, susceptibility to, 3. Also called: ALK-Related Neuroblastic Tumor Susceptibility. Identifiers: Orphanet 635, MedGen C2751681, MONDO:0013083, OMIM 613014.

Submission:

Labcorp Genetics (formerly Invitae), Labcorp
Classification: Uncertain significance for Neuroblastoma, susceptibility to, 3. Last evaluated: 2022-02-02. Review status: criteria provided, single submitter. Criteria: Invitae Variant Classification Sherloc (09022015). Collection method: clinical testing. Allele origin: germline.
Comment: This variant is not present in population databases (gnomAD no frequency). This sequence change replaces cysteine, which is neutral and slightly polar, with arginine, which is basic and polar, at codon 425 of the ALK protein (p.Cys425Arg). This variant has not been reported in the literature in individuals affected with ALK-related conditions. Algorithms developed to predict the effect of missense changes on protein structure and function are either unavailable or do not agree on the potential impact of this missense change (SIFT: "Deleterious"; PolyPhen-2: "Probably Damaging"; Align-GVGD: "Class C0"). In summary, the available evidence is currently insufficient to determine the role of this variant in disease. Therefore, it has been classified as a Variant of Uncertain Significance.